The following is an entry in ClinVar:

NM_018723.4(RBFOX1):c.979G>A (p.Ala327Thr)

Gene: RBFOX1 (RNA binding fox-1 homolog 1; plus strand). Cytogenetic location: 16p13.3.
Variant type: single nucleotide variant.
Coding change: c.979G>A on transcript NM_018723.4 (MANE Select); coding-DNA position 979, G replaced by A.
Protein change: p.Ala327Thr; replaces alanine 327 with threonine.
Molecular consequence: missense variant.
Genome position (GRCh38, 1-based): chr16:7,676,822, G>A. VCF-style: chr16-7676822-G-A. GRCh37 (hg19) VCF-style: chr16-7726824-G-A.
Other names: c.898G>A, p.Ala300Thr (NM_001142333.2); c.979G>A, p.Ala327Thr (NM_001142334.2, NM_001364800.2); c.1108G>A, p.Ala370Thr (NM_001308117.1); c.1042G>A, p.Ala348Thr (NM_145891.3, NM_145892.3, NM_145893.3); short protein forms A348T, A327T, A300T, A370T.
Identifiers: ClinVar variation 648111 (VCV000648111.11), dbSNP rs139929599, ClinGen allele CA7891856.
Genomic context (GRCh38, chr16:7,676,822, plus strand): 5'-CTTGTGTTTTAGGGTGGTTATGCTGCATACCGCTACGCCCAGCCTACCCCTGCCACTGCC[G>A]CTGCCTACAGTGACAGGTAAGGGTCATCCTTCTTGTGCTTGACAACTACTTGTAAATTAA-3'
Protein context (NP_061193.2, residues 317-337): RYAQPTPATA[Ala327Thr]AYSDSYGRVY

ClinVar aggregate classification (germline): Uncertain significance (1 of 4 stars; one submission).

Conditions:
Idiopathic generalized epilepsy. Also called: EIG; Generalised epilepsy. Identifiers: MedGen C0270850, MONDO:0005579, OMIM 600669.

Allele frequency attached by ClinVar (database versions not stated): ExAC 0.00008; gnomAD exomes 0.00008; TOPMed 0.00008; gnomAD 0.00011 and 0.00012; ESP Exome Variant Server 0.00023.
gnomAD v4.1: 200 of 1,612,532 alleles (0.012%); highest among the groups gnomAD compares: Non-Finnish European, 0.014%; no homozygotes.

Submission:

Labcorp Genetics (formerly Invitae), Labcorp
Classification: Uncertain significance for Idiopathic generalized epilepsy. Last evaluated: 2024-03-18. Review status: criteria provided, single submitter. Criteria: Invitae Variant Classification Sherloc (09022015). Collection method: clinical testing. Allele origin: germline.
Comment: This sequence change replaces alanine, which is neutral and non-polar, with threonine, which is neutral and polar, at codon 348 of the RBFOX1 protein (p.Ala348Thr). This variant is present in population databases (rs139929599, gnomAD 0.02%). This variant has not been reported in the literature in individuals affected with RBFOX1-related conditions. ClinVar contains an entry for this variant (Variation ID: 648111). Advanced modeling of protein sequence and biophysical properties (such as structural, functional, and spatial information, amino acid conservation, physicochemical variation, residue mobility, and thermodynamic stability) performed at Invitae indicates that this missense variant is not expected to disrupt RBFOX1 protein function with a negative predictive value of 80%. In summary, the available evidence is currently insufficient to determine the role of this variant in disease. Therefore, it has been classified as a Variant of Uncertain Significance.